The following is an entry in ClinVar:

NM_006279.5(ST3GAL3):c.685G>C (p.Ala229Pro)

Gene: ST3GAL3 (ST3 beta-galactoside alpha-2,3-sialyltransferase 3; plus strand). Cytogenetic location: 1p34.1.
Variant type: single nucleotide variant.
Coding change: c.685G>C on transcript NM_006279.5 (MANE Select); coding-DNA position 685, G replaced by C.
Protein change: p.Ala229Pro; replaces alanine 229 with proline.
Molecular consequence: missense variant. On other transcripts: non-coding transcript variant (5), intron variant (7).
Genome position (GRCh38, 1-based): chr1:43,899,668, G>C. VCF-style: chr1-43899668-G-C. GRCh37 (hg19) VCF-style: chr1-44365340-G-C.
Other names: c.685G>C, p.Ala229Pro (NM_001270459.2, NM_001350620.2, NM_174966.4); c.592G>C, p.Ala198Pro (NM_001270460.2); c.637G>C, p.Ala213Pro (NM_001270461.3, NM_174969.4); c.544G>C, p.Ala182Pro (NM_001270462.3); c.730G>C, p.Ala244Pro (NM_001350619.2, NM_174964.4); c.406G>C, p.Ala136Pro (NM_001350621.2); c.847G>C, p.Ala283Pro (NM_001363573.2, NM_174968.5); c.892G>C, p.Ala298Pro (NM_174963.5); and 8 more; short protein forms A136P, A182P, A198P, A213P, A229P, A244P, A267P, A283P.
Identifiers: ClinVar variation 1179655 (VCV001179655.2), dbSNP rs986849607, ClinGen allele CA340270479.
Genomic context (GRCh38, chr1:43,899,668, plus strand): 5'-TACCCCGAGGGCGCCATGCAGCGGCCTGAGCAGTACGAGCGCGATTCTCTCTTTGTCCTC[G>C]CCGGCTTCAAGTGGCAGGACTTTAAGTGGTTGAAATACATCGTCTACAAGGAGAGAGTGG-3'
Protein context (NP_006270.1, residues 219-239): QYERDSLFVL[Ala229Pro]GFKWQDFKWL

ClinVar aggregate classification (germline): Uncertain significance (1 of 4 stars; one submission).

Allele frequency attached by ClinVar (database versions not stated): gnomAD 0.00001.
gnomAD v4.1: 1 of 1,613,986 alleles (0.000062%); highest among the groups gnomAD compares: Non-Finnish European, 0.000085%; no homozygotes.

Submission:

GeneDx
Classification: Uncertain significance. Last evaluated: 2020-03-03. Review status: criteria provided, single submitter. Criteria: GeneDx Variant Classification Process June 2021. Collection method: clinical testing. Allele origin: germline. Affected: yes.
Comment: Not observed in large population cohorts (Lek et al., 2016); In silico analysis supports that this missense variant does not alter protein structure/function; Has not been previously published as pathogenic or benign to our knowledge